The following is an entry in ClinVar:

ClinVar aggregate classification (germline): Uncertain significance. Review status: criteria provided, multiple submitters, no conflicts (2 of 4 stars). 2 submissions from 2 submitters: Uncertain significance (2). Last evaluated 2022-03-27.

Conditions:
Retinoblastoma (RB1). Also called: RETINOBLASTOMA, SOMATIC. Identifiers: Orphanet 790, MedGen C0035335, MeSH D012175, MONDO:0008380, OMIM 180200, HP:0009919. Disease mechanism: loss of function. Inheritance: Both sporadic and heritable forms are tested..

Allele frequency attached by ClinVar (database versions not stated): gnomAD exomes below 0.00001.
gnomAD v4.1: 1 of 1,601,878 alleles (0.000062%); highest among the groups gnomAD compares: Non-Finnish European, 0.000085%; no homozygotes.

Submissions (2):

Labcorp Genetics (formerly Invitae), Labcorp
Classification: Uncertain significance for Retinoblastoma. Last evaluated: 2022-03-27. Review status: criteria provided, single submitter. Criteria: Invitae Variant Classification Sherloc (09022015). Collection method: clinical testing. Allele origin: germline.
Comment: In summary, the available evidence is currently insufficient to determine the role of this variant in disease. Therefore, it has been classified as a Variant of Uncertain Significance. Algorithms developed to predict the effect of sequence changes on RNA splicing suggest that this variant may disrupt the consensus splice site. Algorithms developed to predict the effect of missense changes on protein structure and function are either unavailable or do not agree on the potential impact of this missense change (SIFT: "Deleterious"; PolyPhen-2: "Benign"; Align-GVGD: "Class C0"). ClinVar contains an entry for this variant (Variation ID: 584869). This variant has not been reported in the literature in individuals affected with RB1-related conditions. This variant is not present in population databases (gnomAD no frequency). This sequence change replaces valine, which is neutral and non-polar, with phenylalanine, which is neutral and non-polar, at codon 314 of the RB1 protein (p.Val314Phe).

Mendelics
Classification: Uncertain significance for Retinoblastoma. Last evaluated: 2018-07-02. Review status: criteria provided, single submitter. Criteria: Mendelics Assertion Criteria 2017. Collection method: clinical testing. Allele origin: unknown.

NM_000321.3(RB1):c.940G>T (p.Val314Phe)

Gene: RB1 (RB transcriptional corepressor 1; plus strand). Cytogenetic location: 13q14.2.
Variant type: single nucleotide variant.
Coding change: c.940G>T on transcript NM_000321.3 (MANE Select); coding-DNA position 940, G replaced by T.
Protein change: p.Val314Phe; replaces valine 314 with phenylalanine.
Molecular consequence: missense variant.
Genome position (GRCh38, 1-based): chr13:48,367,494, G>T. VCF-style: chr13-48367494-G-T. GRCh37 (hg19) VCF-style: chr13-48941630-G-T.
Other names: short protein forms V314F.
Identifiers: ClinVar variation 584869 (VCV000584869.11), dbSNP rs1566194312, ClinGen allele CA388160567.